The following is an entry in ClinVar:

ClinVar aggregate classification (germline): Uncertain significance. Review status: criteria provided, multiple submitters, no conflicts (2 of 4 stars). 2 submissions from 2 submitters: Uncertain significance (2). Last evaluated 2026-02-14.

Conditions:
Inborn genetic diseases. Identifiers: MedGen C0950123, MeSH D030342.

Submissions (2):

GeneDx
Classification: Uncertain significance. Last evaluated: 2026-02-14. Review status: criteria provided, single submitter. Criteria: GeneDx Variant Classification Process June 2021. Collection method: clinical testing. Allele origin: germline.
Comment: Not observed at significant frequency in large population cohorts (gnomAD); In silico analysis supports that this missense variant has a deleterious effect on protein structure/function; Has not been previously published as pathogenic or benign to our knowledge

Ambry Genetics
Classification: Uncertain significance for Inborn genetic diseases. Last evaluated: 2017-06-15. Review status: criteria provided, single submitter. Criteria: Ambry exome assertion method (8-5-2015). Collection method: clinical testing. Allele origin: germline. Affected: yes. Observed: 1 variant allele.

NM_031407.7(HUWE1):c.1175A>G (p.His392Arg)

Gene: HUWE1 (HECT, UBA and WWE domain containing E3 ubiquitin protein ligase 1; minus strand). Cytogenetic location: Xp11.22.
Variant type: single nucleotide variant.
Coding change: c.1175A>G on transcript NM_031407.7 (MANE Select); coding-DNA position 1175, A replaced by G.
Protein change: p.His392Arg; replaces histidine 392 with arginine.
Molecular consequence: missense variant.
Genome position (GRCh38, 1-based): chrX:53,628,560, T>C on the plus strand (A>G on the coding strand, the complement: HUWE1 is on the minus strand). VCF-style: chrX-53628560-T-C. GRCh37 (hg19) VCF-style: chrX-53655511-T-C.
Other names: short protein forms H392R.
Identifiers: ClinVar variation 985017 (VCV000985017.4), dbSNP rs2066673392, ClinGen allele CA413156473.
Genomic context (GRCh38, chrX:53,628,560, plus strand): 5'-AAGGCTTCCATCATTCCACAGGAGACCAAGGCTTCACCACCAGCATCGTAGCTGGCCAGA[T>C]GGTATAAAAAAGAGAAGAGAGCAGTGGCAAACTGGTGAGGGTATGGATCCATGGAAGGAT-3'
Protein context (NP_113584.3, residues 382-402): FATALFSFLY[His392Arg]LASYDAGGEA